The following is an entry in ClinVar:

NM_015072.5(TTLL5):c.1326C>T (p.Leu442=)

Gene: TTLL5 (tubulin tyrosine ligase like 5; plus strand). Cytogenetic location: 14q24.3.
Variant type: single nucleotide variant.
Coding change: c.1326C>T on transcript NM_015072.5 (MANE Select); coding-DNA position 1326, C replaced by T.
Protein change: p.Leu442=; no amino-acid change (leucine 442 retained).
Molecular consequence: synonymous variant.
Genome position (GRCh38, 1-based): chr14:75,745,139, C>T. VCF-style: chr14-75745139-C-T. GRCh37 (hg19) VCF-style: chr14-76211482-C-T.
Identifiers: ClinVar variation 718600 (VCV000718600.42), dbSNP rs141322942, ClinGen allele CA7279349.

ClinVar aggregate classification (germline): Likely benign. Review status: criteria provided, multiple submitters, no conflicts (2 of 4 stars). 6 submissions from 6 submitters: Likely benign (4). 2 of the submissions do not count toward it. Last evaluated 2025-12-21.

Allele frequency attached by ClinVar (database versions not stated): 1000 Genomes Project 0.00120; 1000 Genomes Project 30x 0.00125; ExAC 0.00163; gnomAD exomes 0.00166; ESP Exome Variant Server 0.00177; gnomAD 0.00202 and 0.00219; TOPMed 0.00205.
gnomAD v4.1: 4,024 of 1,613,916 alleles (0.25%); highest among the groups gnomAD compares: Non-Finnish European, 0.3%; 12 homozygotes.

Submissions (6):

Labcorp Genetics (formerly Invitae), Labcorp
Classification: Likely benign. Last evaluated: 2025-12-21. Review status: criteria provided, single submitter. Criteria: Invitae Variant Classification Sherloc (09022015). Collection method: clinical testing. Allele origin: germline.

CeGaT Center for Human Genetics Tuebingen
Classification: Likely benign. Last evaluated: 2025-08-01. Review status: criteria provided, single submitter. Criteria: CeGaT Center For Human Genetics Tuebingen Variant Classification Criteria Version 2. Collection method: clinical testing. Allele origin: germline. Affected: yes. Observed: 2 variant alleles.
Comment: TTLL5: BP4, BP7

Blueprint Genetics
Classification: Likely benign. Last evaluated: 2024-11-27. Review status: criteria provided, single submitter. Criteria: ACMG Guidelines, 2015. Collection method: clinical testing. Allele origin: germline.

Breakthrough Genomics
Classification: Likely benign. Review status: criteria provided, single submitter. Criteria: ACMG Guidelines, 2015. Collection method: not provided. Allele origin: germline. Inheritance: Autosomal recessive inheritance. Affected: yes.

Clinical Genetics DNA and cytogenetics Diagnostics Lab, Erasmus MC, Erasmus Medical Center
Classification: Likely benign. Review status: no assertion criteria provided. Collection method: clinical testing. Allele origin: germline. Affected: yes. Study: VKGL Data-share Consensus. Not counted in ClinVar's aggregate classification.

Clinical Genetics, Academic Medical Center
Classification: Benign. Review status: no assertion criteria provided. Collection method: clinical testing. Allele origin: germline. Affected: yes. Study: VKGL Data-share Consensus. Not counted in ClinVar's aggregate classification.